The following is an entry in ClinVar:

ClinVar aggregate classification (germline): Benign/Likely benign. Review status: criteria provided, multiple submitters, no conflicts (2 of 4 stars). 4 submissions from 4 submitters: Benign (1); Likely benign (2). 1 of the submissions does not count toward it. Last evaluated 2025-12-29.

Conditions:
Short-rib thoracic dysplasia 14 with polydactyly (SRTD14). Identifiers: Orphanet 397715, MedGen C4225286, MONDO:0014688, OMIM 616546.
Joubert syndrome 23 (JBTS23). Identifiers: Orphanet 475, MedGen C4084822, MONDO:0014664, OMIM 616490.
KIAA0586-related disorder. Also called: KIAA0586- Related disorders; KIAA0586-related condition.

Allele frequency attached by ClinVar (database versions not stated): gnomAD exomes 0.00023 and 0.00035; ExAC 0.00053; ESP Exome Variant Server 0.00108; gnomAD 0.00119 and 0.00128; TOPMed 0.00154; 1000 Genomes Project 0.00200; 1000 Genomes Project 30x 0.00219.
gnomAD v4.1: 523 of 1,610,464 alleles (0.032%); highest among the groups gnomAD compares: African/African-American, 0.5%; 3 homozygotes.

Submissions (4):

Labcorp Genetics (formerly Invitae), Labcorp
Classification: Benign for Joubert syndrome 23; Short-rib thoracic dysplasia 14 with polydactyly. Last evaluated: 2025-12-29. Review status: criteria provided, single submitter. Criteria: Invitae Variant Classification Sherloc (09022015). Collection method: clinical testing. Allele origin: germline.

Blueprint Genetics
Classification: Likely benign. Last evaluated: 2024-11-25. Review status: criteria provided, single submitter. Criteria: ACMG Guidelines, 2015. Collection method: clinical testing. Allele origin: germline.

GeneDx
Classification: Likely benign. Last evaluated: 2020-02-07. Review status: criteria provided, single submitter. Criteria: GeneDx Variant Classification Process June 2021. Collection method: clinical testing. Allele origin: germline. Affected: yes.

PreventionGenetics, part of Exact Sciences
Classification: Likely benign for KIAA0586-related condition. Last evaluated: 2019-09-05. Review status: no assertion criteria provided. Collection method: clinical testing. Allele origin: germline. Not counted in ClinVar's aggregate classification.
Comment: This variant is classified as likely benign based on ACMG/AMP sequence variant interpretation guidelines (Richards et al. 2015 PMID: 25741868, with internal and published modifications).

NM_001329943.3(KIAA0586):c.4125A>G (p.Gln1375=)

Gene: KIAA0586 (KIAA0586; plus strand). Cytogenetic location: 14q23.1.
Variant type: single nucleotide variant.
Coding change: c.4125A>G on transcript NM_001329943.3 (MANE Select); coding-DNA position 4125, A replaced by G.
Protein change: p.Gln1375=; no amino-acid change (glutamine 1375 retained).
Molecular consequence: synonymous variant.
Genome position (GRCh38, 1-based): chr14:58,498,917, A>G. VCF-style: chr14-58498917-A-G. GRCh37 (hg19) VCF-style: chr14-58965635-A-G.
Other names: c.4284A>G, p.Gln1428= (NM_001244189.2); c.4080A>G, p.Gln1360= (NM_001244190.2); c.3870A>G, p.Gln1290= (NM_001244191.2, NM_001329945.2, NM_001364700.1 and 1 more transcripts); c.3993A>G, p.Gln1331= (NM_001244192.2, NM_001329947.2); c.3705A>G, p.Gln1235= (NM_001244193.2); c.4125A>G, p.Gln1375= (NM_001329944.2, NM_001329946.2); c.3897A>G, p.Gln1299= (NM_014749.5).
Identifiers: ClinVar variation 772121 (VCV000772121.16), dbSNP rs148016417, ClinGen allele CA7206323.